The following is an entry in ClinVar:

NM_020632.3(ATP6V0A4):c.2486C>T (p.Ser829Phe)

Gene: ATP6V0A4 (ATPase H+ transporting V0 subunit a4; minus strand). Cytogenetic location: 7q34.
Variant type: single nucleotide variant.
Coding change: c.2486C>T on transcript NM_020632.3 (MANE Select); coding-DNA position 2486, C replaced by T.
Protein change: p.Ser829Phe; replaces serine 829 with phenylalanine.
Molecular consequence: missense variant.
Genome position (GRCh38, 1-based): chr7:138,706,661, G>A on the plus strand (C>T on the coding strand, the complement: ATP6V0A4 is on the minus strand). VCF-style: chr7-138706661-G-A. GRCh37 (hg19) VCF-style: chr7-138391406-G-A.
Other names: c.2486C>T, p.Ser829Phe (NM_130840.3, NM_130841.3); short protein forms S829F.
Identifiers: ClinVar variation 5007158 (VCV005007158.2).
Genomic context (GRCh38, chr7:138,706,661, plus strand): 5'-CCGTGGGAGGTGCAGCCCTCAGCCTACTCCTCGGCTGTGCCATCCAGGATGTGTTTAAAG[G>A]AGAATGGAGAAAACTTGTAACCATCCCCGACATAGAACTTGTTCTGGAACTCAACCCTGT-3'
Protein context (NP_065683.2, residues 819-839): VGDGYKFSPF[Ser829Phe]FKHILDGTAE

ClinVar aggregate classification (germline): Uncertain significance (1 of 4 stars; one submission).

Conditions:
Renal tubular acidosis, distal, 3, with or without sensorineural hearing loss (DRTA3). Identifiers: MedGen C5399980, MONDO:0011268, OMIM 602722.

gnomAD v4.1: 1 of 1,613,952 alleles (0.000062%); highest among the groups gnomAD compares: Non-Finnish European, 0.000085%; no homozygotes.

Submission:

Juno Genomics, Hangzhou Juno Genomics, Inc
Classification: Uncertain significance for Renal tubular acidosis, distal, 3, with or without sensorineural hearing loss. Review status: criteria provided, single submitter. Criteria: ACMG Guidelines, 2015. Collection method: clinical testing. Allele origin: germline.
Comment: Absent from controls (or at extremely low frequency if recessive) in Genome Aggregation Database.;Multiple lines of computational evidence support a deleterious effect on the gene or gene product.